The following is an entry in ClinVar:

ClinVar aggregate classification (germline): Uncertain significance (1 of 4 stars; one submission).

Submission:

Ambry Genetics
Classification: Uncertain significance. Last evaluated: 2025-10-22. Review status: criteria provided, single submitter. Criteria: Ambry Variant Classification Scheme 2023. Collection method: clinical testing. Allele origin: germline.
Comment: The p.A67V variant (also known as c.200C>T), located in coding exon 3 of the RAD51B gene, results from a C to T substitution at nucleotide position 200. The alanine at codon 67 is replaced by valine, an amino acid with similar properties. This amino acid position is conserved. In addition, this alteration is predicted to be tolerated by in silico analysis. Based on the available evidence, the clinical significance of this variant remains unclear.

NM_133510.4(RAD51B):c.200C>T (p.Ala67Val)

Gene: RAD51B (RAD51 paralog B; plus strand). Cytogenetic location: 14q24.1.
Variant type: single nucleotide variant.
Coding change: c.200C>T on transcript NM_133510.4 (MANE Select); coding-DNA position 200, C replaced by T.
Protein change: p.Ala67Val; replaces alanine 67 with valine.
Molecular consequence: missense variant. On other transcripts: 5 prime UTR variant (1).
Genome position (GRCh38, 1-based): chr14:67,835,081, C>T. VCF-style: chr14-67835081-C-T. GRCh37 (hg19) VCF-style: chr14-68301798-C-T.
Other names: c.200C>T, p.Ala67Val (NM_001321809.2, NM_001321810.2, NM_001321812.1 and 6 more transcripts); c.86C>T, p.Ala29Val (NM_001321815.1); c.-256C>T (NM_001321817.2); short protein forms A67V, A29V.
Identifiers: ClinVar variation 4575299 (VCV004575299.1).
Genomic context (GRCh38, chr14:67,835,081, plus strand): 5'-GTTTATGTTTTTGAATATATATAGAGGTTGAAAAAAAACTTAATCATTTTCTTGTTTAGG[C>T]TTATGGGATAAAAGCACAAAGGTCTGCTGATTTCTCACCAGCATTCTTATCTACTACCCT-3'
Protein context (NP_598194.1, residues 57-77): SRACAPKMQT[Ala67Val]YGIKAQRSAD